The following is an entry in ClinVar:

NM_002432.3(MNDA):c.1025A>G (p.Gln342Arg)

Gene: MNDA (myeloid cell nuclear differentiation antigen; plus strand). Cytogenetic location: 1q23.1.
Variant type: single nucleotide variant.
Coding change: c.1025A>G on transcript NM_002432.3 (MANE Select); coding-DNA position 1025, A replaced by G.
Protein change: p.Gln342Arg; replaces glutamine 342 with arginine.
Molecular consequence: missense variant.
Genome position (GRCh38, 1-based): chr1:158,847,765, A>G. VCF-style: chr1-158847765-A-G. GRCh37 (hg19) VCF-style: chr1-158817555-A-G.
Other names: short protein forms Q342R.
Identifiers: ClinVar variation 1769243 (VCV001769243.3), dbSNP rs1659165912, ClinGen allele CA343043812.

ClinVar aggregate classification (germline): Uncertain significance (1 of 4 stars; one submission).

Allele frequency attached by ClinVar (database versions not stated): gnomAD exomes 0.00001.
gnomAD v4.1: 7 of 1,612,702 alleles (0.00043%); highest among the groups gnomAD compares: East Asian, 0.016%; no homozygotes.

Submission:

Ambry Genetics
Classification: Uncertain significance. Last evaluated: 2024-07-27. Review status: criteria provided, single submitter. Criteria: Ambry Variant Classification Scheme 2023. Collection method: clinical testing. Allele origin: germline.
Comment: The p.Q342R variant (also known as c.1025A>G), located in coding exon 5 of the MNDA gene, results from an A to G substitution at nucleotide position 1025. The glutamine at codon 342 is replaced by arginine, an amino acid with highly similar properties. This amino acid position is conserved. In addition, this alteration is predicted to be tolerated by in silico analysis. Since supporting evidence is limited at this time, the clinical significance of this alteration remains unclear.